The following is an entry in ClinVar:

NM_177550.5(SLC13A5):c.1514C>T (p.Pro505Leu)

Gene: SLC13A5 (solute carrier family 13 member 5; minus strand). Cytogenetic location: 17p13.1.
Variant type: single nucleotide variant.
Coding change: c.1514C>T on transcript NM_177550.5 (MANE Select); coding-DNA position 1514, C replaced by T.
Protein change: p.Pro505Leu; replaces proline 505 with leucine.
Molecular consequence: missense variant. On other transcripts: intron variant (1).
Genome position (GRCh38, 1-based): chr17:6,687,590, G>A on the plus strand (C>T on the coding strand, the complement: SLC13A5 is on the minus strand). VCF-style: chr17-6687590-G-A. GRCh37 (hg19) VCF-style: chr17-6590909-G-A.
Other names: NM_177550.5(SLC13A5):c.1514C>T; p.Pro505Leu; c.1463C>T, p.Pro488Leu (NM_001284509.2); c.1385C>T, p.Pro462Leu (NM_001284510.2); c.1438-1252C>T (NM_001143838.3); short protein forms P488L, P462L, P505L.
Identifiers: ClinVar variation 842942 (VCV000842942.15), dbSNP rs936922976, ClinGen allele CA287381445.
Genomic context (GRCh38, chr17:6,687,590, plus strand): 5'-ATGTCAGCAACCTTGAGGTGCCCATAGGTGAACACGATGGCATTTGGAGGGGTGGCCACA[G>A]GCAACATGAAGGCAAAGGAGGCACTCAGGGTACAGGGCAGCATGATGTACAGCGGATTGA-3'
Protein context (NP_808218.1, residues 495-515): TLSASFAFML[Pro505Leu]VATPPNAIVF

ClinVar aggregate classification (germline): Conflicting classifications of pathogenicity. Review status: criteria provided, conflicting classifications (1 of 4 stars). 4 submissions from 4 submitters: Pathogenic (2); Likely pathogenic (1); Uncertain significance (1). Last evaluated 2025-05-07.

Conditions:
Developmental and epileptic encephalopathy, 25 (DEE25). Also called: Epileptic encephalopathy, early infantile, 25; Developmental and epileptic encephalopathy 25, with amelogenesis imperfecta; Epileptic encephalopathy, early infantile, 25, with amelogenesis imperfecta. Identifiers: Orphanet 442835, MedGen C4014621, MONDO:0014392, OMIM 615905.

Allele frequency attached by ClinVar (database versions not stated): gnomAD exomes 0.00001; TOPMed 0.00002; gnomAD 0.00001.
gnomAD v4.1: 10 of 1,613,820 alleles (0.00062%); highest among the groups gnomAD compares: African/African-American, 0.0013%; no homozygotes.

Submissions (4):

Broad Center for Mendelian Genomics, Broad Institute of MIT and Harvard
Classification: Likely pathogenic for Developmental and epileptic encephalopathy, 25. Last evaluated: 2025-05-07. Review status: criteria provided, single submitter. Criteria: ACMG Guidelines, 2015. Collection method: curation. Allele origin: germline. Inheritance: Autosomal recessive inheritance.
Comment: The p.Pro505Leu variant in SLC13A5 has been reported in 5 individuals with developmental and epileptic encephalopathy (PMID: 31780880, 33258288, 32551328, 32887782), and has been identified in 0.001% (1/74924) of African/African American chromosomes by the Genome Aggregation Database (gnomAD; dbSNP ID: rs936922976). Although this variant has been seen in the general population in a heterozygous state, its frequency is low enough to be consistent with a recessive carrier frequency. This variant has also been reported in ClinVar (Variation ID#: 842942) and has been interpreted as Pathogenic by Mendelics and Labcorp Genetics. Of the 5 affected individuals, 1 of those was a homozygote and 2 were compound heterozygotes that carried a pathogenic/likely pathogenic variants with unknown phase, which increases the likelihood that the p.Pro505Leu variant is pathogenic (Variation ID: 280534, 140752; PMID: 33258288, 32551328, 32887782). Computational prediction tools and conservation analyses suggest that this variant may impact the protein, though this information is not predictive enough to determine pathogenicity. In summary, although additional studies are required to fully establish its clinical significance, this variant is likely pathogenic for autosomal recessive developmental and epileptic encephalopathy. ACMG/AMP Criteria applied: PM3_strong, PP3, PM2_supporting (Richards 2015).

Labcorp Genetics (formerly Invitae), Labcorp
Classification: Pathogenic for Developmental and epileptic encephalopathy, 25. Last evaluated: 2025-02-25. Review status: criteria provided, single submitter. Criteria: Invitae Variant Classification Sherloc (09022015). Collection method: clinical testing. Allele origin: germline.
Comment: This sequence change replaces proline, which is neutral and non-polar, with leucine, which is neutral and non-polar, at codon 505 of the SLC13A5 protein (p.Pro505Leu). This variant is present in population databases (no rsID available, gnomAD 0.007%). This missense change has been observed in individual(s) with early infantile epileptic encephalopathy (PMID: 31780880, 33258288; internal data). In at least one individual the data is consistent with being in trans (on the opposite chromosome) from a pathogenic variant. It has also been observed to segregate with disease in related individuals. ClinVar contains an entry for this variant (Variation ID: 842942). Invitae Evidence Modeling of protein sequence and biophysical properties (such as structural, functional, and spatial information, amino acid conservation, physicochemical variation, residue mobility, and thermodynamic stability) indicates that this missense variant is expected to disrupt SLC13A5 protein function with a positive predictive value of 80%. For these reasons, this variant has been classified as Pathogenic.

Laboratorio de Genetica e Diagnostico Molecular, Hospital Israelita Albert Einstein
Classification: Uncertain significance for Developmental and epileptic encephalopathy, 25. Last evaluated: 2024-05-14. Review status: criteria provided, single submitter. Criteria: ACMG Guidelines, 2015. Collection method: clinical testing. Allele origin: germline. Affected: yes.
Comment: ACMG classification criteria: PM2 supporting, PM3 strong

Mendelics
Classification: Pathogenic for Developmental and epileptic encephalopathy, 25. Last evaluated: 2022-05-04. Review status: criteria provided, single submitter. Criteria: Mendelics Assertion Criteria 2019. Collection method: clinical testing. Allele origin: germline.

Literature cited by the submitters: PubMed 31780880 (cited by Labcorp Genetics (formerly Invitae), Labcorp); PubMed 33258288 (cited by Labcorp Genetics (formerly Invitae), Labcorp).